The following is an entry in ClinVar:

NM_001184.4(ATR):c.7058C>T (p.Ala2353Val)

Gene: ATR (ATR checkpoint kinase; minus strand). Cytogenetic location: 3q23.
Variant type: single nucleotide variant.
Coding change: c.7058C>T on transcript NM_001184.4 (MANE Select); coding-DNA position 7058, C replaced by T.
Protein change: p.Ala2353Val; replaces alanine 2353 with valine.
Molecular consequence: missense variant.
Genome position (GRCh38, 1-based): chr3:142,462,074, G>A on the plus strand (C>T on the coding strand, the complement: ATR is on the minus strand). VCF-style: chr3-142462074-G-A. GRCh37 (hg19) VCF-style: chr3-142180916-G-A.
Other names: c.6866C>T, p.Ala2289Val (NM_001354579.2); short protein forms A2289V, A2353V.
Identifiers: ClinVar variation 2453548 (VCV002453548.2), dbSNP rs2108266285, ClinGen allele CA354799888.

ClinVar aggregate classification (germline): Uncertain significance (1 of 4 stars; one submission).

Conditions:
Inborn genetic diseases. Identifiers: MedGen C0950123, MeSH D030342.

Allele frequency attached by ClinVar (database versions not stated): gnomAD exomes below 0.00001.
gnomAD v4.1: 1 of 1,612,278 alleles (0.000062%); highest among the groups gnomAD compares: Non-Finnish European, 0.000085%; no homozygotes.

Submission:

Ambry Genetics
Classification: Uncertain significance for Inborn genetic diseases. Last evaluated: 2022-12-17. Review status: criteria provided, single submitter. Criteria: Ambry Variant Classification Scheme 2023. Collection method: clinical testing. Allele origin: germline.
Comment: The p.A2353V variant (also known as c.7058C>T), located in coding exon 42 of the ATR gene, results from a C to T substitution at nucleotide position 7058. The alanine at codon 2353 is replaced by valine, an amino acid with similar properties. This amino acid position is conserved. In addition, the in silico prediction for this alteration is inconclusive. Since supporting evidence is limited at this time, the clinical significance of this alteration remains unclear.